The following is an entry in ClinVar:

ClinVar aggregate classification (germline): Uncertain significance. Review status: criteria provided, multiple submitters, no conflicts (2 of 4 stars). 2 submissions from 2 submitters: Uncertain significance (2). Last evaluated 2025-11-17.

Conditions:
TTN-related disorder. Also called: TTN-related condition; TTN-related disease; TTN-related disorders.

Allele frequency attached by ClinVar (database versions not stated): gnomAD 0.00001; gnomAD exomes 0.00001; TOPMed 0.00002.
gnomAD v4.1: 16 of 1,613,980 alleles (0.00099%); highest among the groups gnomAD compares: East Asian, 0.013%; no homozygotes.

Submissions (2):

PreventionGenetics, part of Exact Sciences
Classification: Uncertain significance for TTN-related condition. Last evaluated: 2025-11-17. Review status: criteria provided, single submitter. Criteria: ACMG Guidelines, 2015. Collection method: clinical testing. Allele origin: germline.
Comment: The TTN c.9611G>A variant is predicted to result in the amino acid substitution p.Arg3204Gln. To our knowledge, this variant has not been reported in individuals with TTN-associated phenotypes in the literature. This variant is reported in 0.0058% of alleles in individuals of Latino descent in gnomAD. At this time, the clinical significance of this variant is uncertain due to the absence of conclusive functional and genetic evidence.

GeneDx
Classification: Uncertain significance. Last evaluated: 2024-04-18. Review status: criteria provided, single submitter. Criteria: GeneDx Variant Classification Process June 2021. Collection method: clinical testing. Allele origin: germline. Affected: yes.
Comment: Not observed at significant frequency in large population cohorts (gnomAD); Missense variant in a gene in which most reported pathogenic variants are truncating/loss of function; Has not been previously published as pathogenic or benign to our knowledge

NM_001267550.2(TTN):c.9611G>A (p.Arg3204Gln)

Gene: TTN (titin; minus strand). Cytogenetic location: 2q31.2.
Variant type: single nucleotide variant.
Coding change: c.9611G>A on transcript NM_001267550.2 (MANE Select); coding-DNA position 9611, G replaced by A.
Protein change: p.Arg3204Gln; replaces arginine 3204 with glutamine.
Molecular consequence: missense variant.
Genome position (GRCh38, 1-based): chr2:178,766,473, C>T on the plus strand (G>A on the coding strand, the complement: TTN is on the minus strand). VCF-style: chr2-178766473-C-T. GRCh37 (hg19) VCF-style: chr2-179631200-C-T.
Other names: p.R3204Q:CGA>CAA; c.9611G>A, p.Arg3204Gln (NM_001256850.1, NM_133378.4, NM_133379.5); c.9473G>A, p.Arg3158Gln (NM_003319.4, NM_133432.3, NM_133437.4); c.9611G>A (NM_001267550.1); short protein forms R3204Q, R3158Q.
Identifiers: ClinVar variation 203169 (VCV000203169.4), dbSNP rs775137389, ClinGen allele CA311552.
Genomic context (GRCh38, chr2:178,766,473, plus strand): 5'-CTTCCTGCCACAAAGGTGTATTCTCCTGCATCGCTCTGTCTGGTCTCAGAGATAAACATT[C>T]GGTGGATTCTTCTTTCCACTACATATTTGTGTCGTTCTTGAACTTGGAAATTGATTTCAA-3'
Protein context (NP_001254479.2, residues 3194-3214): HKYVVERRIH[Arg3204Gln]MFISETRQSD